The following is an entry in ClinVar:

NM_015459.5(ATL3):c.712-8A>G

Genes: LNCROPM (lncRNA regulator of PLAAT3 mediated phospholipid metabolism; plus strand), ATL3 (atlastin GTPase 3; minus strand). Cytogenetic location: 11q13.1.
Variant type: single nucleotide variant.
Coding change: c.712-8A>G on transcript NM_015459.5 (MANE Select); 8 bases into the intron before coding-DNA position 712, A replaced by G.
Molecular consequence: intron variant.
Genome position (GRCh38, 1-based): chr11:63,643,503, T>C on the plus strand (A>G on the coding strand, the complement: ATL3 is on the minus strand). VCF-style: chr11-63643503-T-C. GRCh37 (hg19) VCF-style: chr11-63410975-T-C.
Other names: c.658-8A>G (NM_001290048.2).
Identifiers: ClinVar variation 541689 (VCV000541689.16), dbSNP rs200747906, ClinGen allele CA6063703.

ClinVar aggregate classification (germline): Benign/Likely benign. Review status: criteria provided, multiple submitters, no conflicts (2 of 4 stars). 5 submissions from 5 submitters: Benign (3); Likely benign (2). Last evaluated 2025-12-28.

Conditions:
Neuropathy, hereditary sensory, type 1F. Also called: HSN IF; Hereditary sensory neuropathy type IF. Identifiers: Orphanet 36386, MedGen C3810194, MONDO:0014286, OMIM 615632.
ATL3-related disorder. Also called: ATL3-related condition.

Allele frequency attached by ClinVar (database versions not stated): 1000 Genomes Project 30x 0.00016; 1000 Genomes Project 0.00020; gnomAD 0.00045; TOPMed 0.00048; gnomAD exomes 0.00050 and 0.00069; ExAC 0.00064; ESP Exome Variant Server 0.00075.
gnomAD v4.1: 806 of 1,602,972 alleles (0.05%); highest among the groups gnomAD compares: Middle Eastern, 0.085%; 3 homozygotes.

Submissions (5):

Labcorp Genetics (formerly Invitae), Labcorp
Classification: Benign for Neuropathy, hereditary sensory, type 1F. Last evaluated: 2025-12-28. Review status: criteria provided, single submitter. Criteria: Invitae Variant Classification Sherloc (09022015). Collection method: clinical testing. Allele origin: germline.

PreventionGenetics, part of Exact Sciences
Classification: Benign for ATL3-related condition. Last evaluated: 2025-02-28. Review status: criteria provided, single submitter. Criteria: ACMG Guidelines, 2015. Collection method: clinical testing. Allele origin: germline.
Comment: This variant is classified as benign based on ACMG/AMP sequence variant interpretation guidelines (Richards et al. 2015 PMID: 25741868, with internal and published modifications).

Genome-Nilou Lab
Classification: Benign for Neuropathy, hereditary sensory, type 1F. Last evaluated: 2021-12-05. Review status: criteria provided, single submitter. Criteria: ACMG Guidelines, 2015. Collection method: clinical testing. Allele origin: germline. Affected: no.

GeneDx
Classification: Likely benign. Last evaluated: 2021-05-26. Review status: criteria provided, single submitter. Criteria: GeneDx Variant Classification Process June 2021. Collection method: clinical testing. Allele origin: germline. Affected: yes.

Breakthrough Genomics
Classification: Likely benign. Review status: criteria provided, single submitter. Criteria: ACMG Guidelines, 2015. Collection method: not provided. Allele origin: germline. Inheritance: Autosomal dominant inheritance. Affected: yes.